The following is an entry in ClinVar:

ClinVar aggregate classification (germline): Uncertain significance (1 of 4 stars; one submission).

gnomAD v4.1: 1 of 1,602,240 alleles (0.000062%); highest among the groups gnomAD compares: South Asian, 0.0011%; no homozygotes.

Submission:

Women's Health and Genetics/Laboratory Corporation of America, LabCorp
Classification: Uncertain significance. Last evaluated: 2025-07-17. Review status: criteria provided, single submitter. Criteria: LabCorp Variant Classification Summary - May 2015. Collection method: clinical testing. Allele origin: germline.
Comment: Variant summary: TRPA1 c.2342G>A (p.Ser781Asn) results in a conservative amino acid change in the encoded protein sequence. Algorithms developed to predict the effect of missense changes on protein structure and function are either unavailable or do not agree on the potential impact of this missense change. The variant was absent in 247300 control chromosomes. The available data on variant occurrences in the general population are insufficient to allow any conclusion about variant significance. To our knowledge, no occurrence of c.2342G>A in individuals affected with Familial episodic pain syndrome with predominantly upper body involvement and no experimental evidence demonstrating its impact on protein function have been reported. No submitters have cited clinical-significance assessments for this variant to ClinVar. Based on the evidence outlined above, the variant was classified as uncertain significance.

NM_007332.3(TRPA1):c.2342G>A (p.Ser781Asn)

Genes: MSC-AS1 (MSC antisense RNA 1; plus strand), TRPA1 (transient receptor potential cation channel subfamily A member 1; minus strand). Cytogenetic location: 8q21.11.
Variant type: single nucleotide variant.
Coding change: c.2342G>A on transcript NM_007332.3 (MANE Select); coding-DNA position 2342, G replaced by A.
Protein change: p.Ser781Asn; replaces serine 781 with asparagine.
Molecular consequence: missense variant.
Genome position (GRCh38, 1-based): chr8:72,038,026, C>T on the plus strand (G>A on the coding strand, the complement: TRPA1 is on the minus strand). VCF-style: chr8-72038026-C-T. GRCh37 (hg19) VCF-style: chr8-72950261-C-T.
Other names: short protein forms S781N.
Identifiers: ClinVar variation 4525802 (VCV004525802.1).
Genomic context (GRCh38, chr8:72,038,026, plus strand): 5'-CAAAATGTATTACATACCTGTTGGAAAATTTGCCCCGCTTCTTTGCAATACCCAAATATA[C>T]TTGATAAAAACACTAAAATCATACAAGTTTTTATTAGATATGAATTCTAAAACAAAAAAG-3'
Protein context (NP_015628.2, residues 771-791): KTCMILVFLS[Ser781Asn]IFGYCKEAGQ